The following is an entry in ClinVar:

ClinVar aggregate classification (germline): Uncertain significance. Review status: criteria provided, multiple submitters, no conflicts (2 of 4 stars). 2 submissions from 2 submitters: Uncertain significance (2). Last evaluated 2025-07-15.

Conditions:
Intellectual developmental disorder, X-linked 106. Also called: Mental retardation, X-linked 106; Intellectual disability, X-linked 106. Identifiers: MedGen C4478379, MONDO:0030907, OMIM 300997.

Submissions (2):

GeneDx
Classification: Uncertain significance. Last evaluated: 2025-07-15. Review status: criteria provided, single submitter. Criteria: GeneDx Variant Classification Process June 2021. Collection method: clinical testing. Allele origin: germline.
Comment: Has not been previously reported in peer-reviewed literature as pathogenic or benign to our knowledge. However, in an abstract by Mayfield et al. (2024), this variant was reported in association with OGT-congenital disorder of glycosylation, although detailed clinical information and familial segregation information were not provided (Mayfield J et al.Glycobiology. 34 (11) DOI 10.1093/glycob/cwae070).; Not observed at significant frequency in large population cohorts (gnomAD); In silico analysis supports that this missense variant has a deleterious effect on protein structure/function; This variant is associated with the following publications: (PMID: Mayfield2024[Abstract])

MVZ Medizinische Genetik Mainz
Classification: Uncertain significance for Intellectual developmental disorder, X-linked 106. Last evaluated: 2023-09-26. Review status: criteria provided, single submitter. Criteria: UK Practice Guidelines For Variant Classification V4 01 2020. Collection method: clinical testing. Allele origin: germline. Inheritance: X-linked dominant inheritance. Affected: yes. Observed: 1 variant allele.
Comment: ACMG Criteria: PM2_SUP,PP2

NM_181672.3(OGT):c.1708A>G (p.Thr570Ala)

Gene: OGT (O-linked N-acetylglucosamine (GlcNAc) transferase; plus strand). Cytogenetic location: Xq13.1.
Variant type: single nucleotide variant.
Coding change: c.1708A>G on transcript NM_181672.3 (MANE Select); coding-DNA position 1708, A replaced by G.
Protein change: p.Thr570Ala; replaces threonine 570 with alanine.
Molecular consequence: missense variant.
Genome position (GRCh38, 1-based): chrX:71,559,372, A>G. VCF-style: chrX-71559372-A-G. GRCh37 (hg19) VCF-style: chrX-70779222-A-G.
Other names: c.1678A>G, p.Thr560Ala (NM_181673.3); short protein forms T560A, T570A.
Identifiers: ClinVar variation 3235222 (VCV003235222.3), dbSNP rs2040367058.